The following is an entry in ClinVar:

NM_000245.4(MET):c.3604C>G (p.His1202Asp)

Gene: MET (MET proto-oncogene, receptor tyrosine kinase; plus strand). Cytogenetic location: 7q31.2.
Variant type: single nucleotide variant.
Coding change: c.3604C>G on transcript NM_000245.4 (MANE Select); coding-DNA position 3604, C replaced by G.
Protein change: p.His1202Asp; replaces histidine 1202 with aspartic acid.
Molecular consequence: missense variant.
Genome position (GRCh38, 1-based): chr7:116,782,069, C>G. VCF-style: chr7-116782069-C-G. GRCh37 (hg19) VCF-style: chr7-116422123-C-G.
Other names: c.3658C>G, p.His1220Asp (NM_001127500.3); c.2314C>G, p.His772Asp (NM_001324402.2); short protein forms H1220D, H1202D, H772D.
Identifiers: ClinVar variation 1733642 (VCV001733642.2), dbSNP rs2117060477, ClinGen allele CA368991166.

ClinVar aggregate classification (germline): Uncertain significance (1 of 4 stars; one submission).

Conditions:
Hereditary cancer-predisposing syndrome. Also called: Neoplastic Syndromes, Hereditary; Tumor predisposition; Hereditary Cancer Syndrome; Hereditary neoplastic syndrome. Identifiers: Orphanet 140162, MedGen C0027672, MeSH D009386, MONDO:0015356.

Submission:

Ambry Genetics
Classification: Uncertain significance for Hereditary cancer-predisposing syndrome. Last evaluated: 2020-07-09. Review status: criteria provided, single submitter. Criteria: Ambry Variant Classification Scheme 2023. Collection method: clinical testing. Allele origin: germline.
Comment: The p.H1220D variant (also known as c.3658C>G), located in coding exon 17 of the MET gene, results from a C to G substitution at nucleotide position 3658. The histidine at codon 1220 is replaced by aspartic acid, an amino acid with similar properties. This amino acid position is highly conserved in available vertebrate species. In addition, this alteration is predicted to be deleterious by in silico analysis. Since supporting evidence is limited at this time, the clinical significance of this alteration remains unclear.